The following is an entry in ClinVar:

NM_001001548.3(CD36):c.550G>A (p.Asp184Asn)

Gene: CD36 (CD36 molecule (CD36 blood group); plus strand). Cytogenetic location: 7q21.11.
Variant type: single nucleotide variant.
Coding change: c.550G>A on transcript NM_001001548.3 (MANE Select); coding-DNA position 550, G replaced by A.
Protein change: p.Asp184Asn; replaces aspartic acid 184 with asparagine.
Molecular consequence: missense variant. On other transcripts: non-coding transcript variant (1), intron variant (1).
Genome position (GRCh38, 1-based): chr7:80,663,110, G>A. VCF-style: chr7-80663110-G-A. GRCh37 (hg19) VCF-style: chr7-80292426-G-A.
Other names: c.550G>A, p.Asp184Asn (NM_000072.3, NM_001001547.3, NM_001127443.2 and 6 more transcripts); c.85G>A, p.Asp29Asn (NM_001371081.1, NM_001371080.1); c.430-1296G>A (NM_001289909.1); c.322G>A, p.Asp108Asn (NM_001289911.2); c.448G>A, p.Asp150Asn (NM_001371079.1); short protein forms D150N, D108N, D29N, D184N.
Identifiers: ClinVar variation 810108 (VCV000810108.48), dbSNP rs138897347, ClinGen allele CA4315232.

ClinVar aggregate classification (germline): Conflicting classifications of pathogenicity. Review status: criteria provided, conflicting classifications (1 of 4 stars). 4 submissions from 4 submitters: Uncertain significance (2); Likely benign (1). 1 of the submissions does not count toward it. Last evaluated 2023-11-01.

Conditions:
CD36-related disorder. Also called: CD36-related condition; CD36-related disorders.
Platelet-type bleeding disorder 10. Also called: CD36 DEFICIENCY. Identifiers: MedGen C1842090, MONDO:0012031, OMIM 608404.

Allele frequency attached by ClinVar (database versions not stated): 1000 Genomes Project 30x 0.00016; gnomAD exomes 0.00032 and 0.00058; gnomAD 0.00034 and 0.00035; TOPMed 0.00038; ExAC 0.00053; ESP Exome Variant Server 0.00054.
gnomAD v4.1: 560 of 1,613,744 alleles (0.035%); highest among the groups gnomAD compares: Middle Eastern, 0.94%; 3 homozygotes.

Submissions (4):

CeGaT Center for Human Genetics Tuebingen
Classification: Likely benign. Last evaluated: 2023-11-01. Review status: criteria provided, single submitter. Criteria: CeGaT Center For Human Genetics Tuebingen Variant Classification Criteria Version 2. Collection method: clinical testing. Allele origin: germline. Affected: yes. Observed: 2 variant alleles.
Comment: CD36: BP1, BS2

Illumina Laboratory Services, Illumina
Classification: Uncertain significance for Platelet-type bleeding disorder 10. Last evaluated: 2017-04-27. Review status: criteria provided, single submitter. Criteria: ICSL Variant Classification Criteria 13 December 2019. Collection method: clinical testing. Allele origin: germline.
Comment: This variant was observed as part of a predisposition screen in an ostensibly healthy population. A literature search was performed for the gene, cDNA change, and amino acid change (where applicable). Publications were found based on this search. However, the evidence from the literature, in combination with allele frequency data from public databases where available, was not sufficient to rule this variant in or out of causing disease. Therefore, this variant is classified as a variant of unknown significance.

Breakthrough Genomics
Classification: Uncertain significance. Review status: criteria provided, single submitter. Criteria: ACMG Guidelines, 2015. Collection method: not provided. Allele origin: germline. Inheritance: Autosomal recessive inheritance. Affected: yes.

PreventionGenetics, part of Exact Sciences
Classification: Likely benign for CD36-related condition. Last evaluated: 2019-09-13. Review status: no assertion criteria provided. Collection method: clinical testing. Allele origin: germline. Not counted in ClinVar's aggregate classification.
Comment: This variant is classified as likely benign based on ACMG/AMP sequence variant interpretation guidelines (Richards et al. 2015 PMID: 25741868, with internal and published modifications).

Literature cited by the submitters: PubMed 23856131 (cited by Illumina Laboratory Services, Illumina); PubMed 20722468 (cited by Illumina Laboratory Services, Illumina).